The following is an entry in ClinVar:

NM_000277.3(PAH):c.1066-11G>A

Gene: PAH (phenylalanine hydroxylase; minus strand). Cytogenetic location: 12q23.2.
Variant type: single nucleotide variant.
Coding change: c.1066-11G>A on transcript NM_000277.3 (MANE Select); 11 bases into the intron before coding-DNA position 1066, G replaced by A.
Molecular consequence: intron variant.
Genome position (GRCh38, 1-based): chr12:102,843,790, C>T on the plus strand (G>A on the coding strand, the complement: PAH is on the minus strand). VCF-style: chr12-102843790-C-T. GRCh37 (hg19) VCF-style: chr12-103237568-C-T.
Other names: IVS10-11G>A; NM_000277.1(PAH):c.1066-11G>A; p.?; IVS10AS, G-A, -11; c.1066-11G>A (NM_001354304.2, NM_000277.2).
Identifiers: ClinVar variation 607 (VCV000000607.161), dbSNP rs5030855, ClinGen allele CA251538.

ClinVar aggregate classification (germline): Pathogenic. Review status: reviewed by expert panel (3 of 4 stars). 37 submissions from 37 submitters: Pathogenic (1). 36 of the submissions do not count toward it. Last evaluated 2024-12-30.

Conditions:
PAH-related disorder. Also called: PAH-related condition.
Inborn genetic diseases. Identifiers: MedGen C0950123, MeSH D030342.
Phenylketonuria (PKU). Also called: FOLLING DISEASE; Phenylketonurias; Phenylketonuria (PKU); OLIGOPHRENIA PHENYLPYRUVICA. Identifiers: Orphanet 716, MedGen C0031485, MONDO:0009861, OMIM 261600. Disease mechanism: loss of function.
Hyperphenylalaninemia. Also called: Hyperphenylalaninemia (HPA); Hyperphenylalaninemia, non-pku; Hyperphenylalaninaemia. Identifiers: MedGen C0751435, HP:0004923.

Allele frequency attached by ClinVar (database versions not stated): gnomAD 0.00031 and 0.00028; TOPMed 0.00031; ESP Exome Variant Server 0.00038; gnomAD exomes 0.00025 and 0.00033; ExAC 0.00027; 1000 Genomes Project 30x 0.00047; 1000 Genomes Project 0.00060.
gnomAD v4.1: 524 of 1,613,286 alleles (0.032%); highest among the groups gnomAD compares: Middle Eastern, 0.15%; no homozygotes.

Submissions 1 to 9 of 37:

ClinGen PAH Variant Curation Expert Panel
Classification: Pathogenic for Phenylketonuria. Last evaluated: 2024-12-30. Review status: reviewed by expert panel. Criteria: ClinGen PAH ACMG Specifications v1. Collection method: curation. Allele origin: germline. Inheritance: Autosomal recessive inheritance.
Comment: The c.1066-11G>A variant in PAH occurs within intron 10. It is predicted to impact splicing of biologically-relevant-exon 11/13. This prediction is confirmed by RT-PCR analysis which showed an in-frame insertion of Gly, Leu, Gln between exon 10 and 11 (PMID: 1769645). Nonsense mediated decay does not occur, but the resulting protein has no enzymatic activity (altered region is critical to protein function, PVS1_strong). At least one patient with this variant displayed blood Phe > 30 mg/dl, which is highly specific for PAH deficiency (PMID: 8990013). BH4 deficiency was ruled out in 1 study (PMID: 23500595). This variant has been detected in at least 23 individuals with PAH deficiency. Of those individuals, 15 were compound heterozygous for the variant and a pathogenic variant [p.R252W, p.R243X, p.R261Q (4 patients), p.R270K, p.I65T (2 patients); 5.5 points] (PMID: 23500595; PMID: 8990013) (PM3_Very strong). The population allele frequency in gnomAD v4 is 0.0003248, which is higher than the PAH VCEP cutoff for PM2 (<0.0002). In summary, this variant meets criteria to be classified as pathogenic for PAH deficiency based on the ACMG/AMP criteria applied, as specified by the ClinGen PAH VCEP: PVS1_strong, PP4_Moderate, PM3_very-strong. (VCEP specifications version 2; 12/06/24)

CeGaT Center for Human Genetics Tuebingen
Classification: Pathogenic. Last evaluated: 2026-09-01. Review status: criteria provided, single submitter. Criteria: CeGaT Center For Human Genetics Tuebingen Variant Classification Criteria Version 2. Collection method: clinical testing. Allele origin: germline. Affected: yes. Observed: 28 variant alleles. Not counted in ClinVar's aggregate classification.
Comment: PAH: PM3:Very Strong, PS3, PM2, PP4:Moderate, PP3

PreventionGenetics, part of Exact Sciences
Classification: Pathogenic for PAH-related condition. Last evaluated: 2026-05-18. Review status: criteria provided, single submitter. Criteria: ACMG Guidelines, 2015. Collection method: clinical testing. Allele origin: germline. Not counted in ClinVar's aggregate classification.
Comment: The PAH c.1066-11G>A variant is predicted to interfere with splicing. This variant has been documented to be causative for phenylketonuria (PKU) and is one of the most commonly reported causative PAH variants (e.g., Pey et al. 2003. PubMed ID: 12655546; Couce et al. 2013. PubMed ID: 23500595; Hillert et al. 2020. PubMed ID: 32668217; often referred to in the literature as IVS10-11G>A). This variant is strongly predicted to create a novel splice acceptor site 9 nucleotides upstream of the canonical splice acceptor site at this location (SpliceAI, Jaganathan et al. 2019. PubMed ID: 30661751; Alamut Visual Plus v1.6.1) and has been reported to result in the insertion of three amino acids (p.Gln355_Tyr356insGlyLeuGln) in the PAH protein (Danecka et al. 2015. PubMed ID: 25596310). The c.1066-11G>A variant is generally reported to lead to a PAH protein that is not responsive to tetrahydrobiopterin (BH4) (Couce et al. 2013. PubMed ID: 23500595; Danecka et al. 2015. PubMed ID: 25596310). The c.1066-11G>A variant is classified as pathogenic by the ClinGen PAH Variant Curation Expert Panel and other outside laboratories (Variation ID: 607), and we also interpret this variant as pathogenic.

Ambry Genetics
Classification: Pathogenic for Inborn genetic diseases. Last evaluated: 2026-03-25. Review status: criteria provided, single submitter. Criteria: Ambry Variant Classification Scheme 2023. Collection method: clinical testing. Allele origin: germline. Not counted in ClinVar's aggregate classification.
Comment: The c.1066-11G>A intronic variant consists of a G to A substitution 11 nucleotides before exon 12 (coding exon 11) of the PAH gene. Based on data from gnomAD, the A allele has an overall frequency of 0.025% (70/282062) total alleles studied. The highest observed frequency was 0.069% (5/7202) of Other alleles. This alteration has been detected in the homozygous state, and in trans with other PAH pathogenic mutations, in multiple individuals with phenylalanine hydroxylase deficiency (Tresbach, 2020; Carducci, 2020; Alsubaie, 2020; Couce, 2013; Trunzo, 2014). This nucleotide position is not well conserved in available vertebrate species. Functional assays confirm aberrant splicing that results in a 9nt in-frame insertion with a predicted protein effect of p.(Gln355_Tyr356insGlyLeuGln) (Dworniczak, 1991). Furthermore, PAH enzyme activity assays show low to absent enzyme activity in vitro and in a patient liver biopsy (Danecka, 2015; Pey, 2003; Dworniczak, 1991). In silico splice site analysis predicts that this alteration will weaken the native splice acceptor site and will result in the creation or strengthening of a novel splice acceptor site. Based on the available evidence, this alteration is classified as pathogenic.

OLLIN Analises Genomicas, OLLIN
Classification: Pathogenic for Phenylketonuria. Last evaluated: 2026-02-13. Review status: criteria provided, single submitter. Criteria: ACMG Guidelines 2015 PMID 25741868. Collection method: clinical testing. Allele origin: germline. Observed: 1 variant allele. Not counted in ClinVar's aggregate classification.
Comment: PVS1_S, PM3_VS, PP4_M

Labcorp Genetics (formerly Invitae), Labcorp
Classification: Pathogenic for Phenylketonuria. Last evaluated: 2026-01-27. Review status: criteria provided, single submitter. Criteria: Invitae Variant Classification Sherloc (09022015). Collection method: clinical testing. Allele origin: germline. Not counted in ClinVar's aggregate classification.
Comment: This sequence change falls in intron 10 of the PAH gene. It does not directly change the encoded amino acid sequence of the PAH protein. RNA analysis indicates that this variant induces altered splicing and likely results in the gain of three amino acid residue(s), but is expected to preserve the integrity of the reading-frame. This variant is present in population databases (rs5030855, gnomAD 0.04%). This variant has been observed in individuals with phenylketonuria (PKU) (PMID: 1601425, 8990013, 22330942, 23430547, 23500595, 24296287, 25596310). It is commonly reported in individuals of European ancestry (PMID: 1601425, 8990013, 22330942, 23430547, 23500595, 24296287, 25596310). This variant is also known as p.Gln355_Tyr356insGlyLeuGln. ClinVar contains an entry for this variant (Variation ID: 607). Algorithms developed to predict the effect of variants on gene product structure and function are not available or were not evaluated for this variant. Experimental studies have shown that this variant affects PAH function (PMID: 1769645, 12655546, 25596310). Studies have shown that this variant results in the activation of a cryptic splice site in intron 10 (PMID: 1769645). For these reasons, this variant has been classified as Pathogenic.

GeneDx
Classification: Pathogenic. Last evaluated: 2025-11-03. Review status: criteria provided, single submitter. Criteria: GeneDx Variant Classification Process June 2021. Collection method: clinical testing. Allele origin: germline. Affected: yes. Not counted in ClinVar's aggregate classification.
Comment: Associated with both a classical and a moderate PKU phenotype in patients who harbored a second variant in PAH (PMID: 12655546, 23500595); Functional analysis revealed that c.1066-11 G>A is associated with 5% residual enzyme activity compared to wild type (PMID: 25596310); In silico analysis supports a deleterious effect on splicing; This variant is associated with the following publications: (PMID: 30747360, 28956315, 21147011, 19292873, 34828281, 25087612, 24296287, 22975760, 23348723, 23559577, 12655546, 1769645, 23500595, 26351554, 27469133, 26655635, 27922243, 24941924, 27121329, 28676969, 29499199, 31355225, 32533790, 31589614, 32905092, 33101986, 8188310, 34426522, 8445616, 7901929, 32778825, 29288420, 33375644, 34216551, 35405047, 37644014, 37421234, 36046396, 36646061, 37189584, 36537053, 17935162, 33465300, 32552793, 37924808, 20217238, 39243181, 25596310, 39039323)

Mayo Clinic Laboratories, Mayo Clinic
Classification: Pathogenic. Last evaluated: 2025-09-03. Review status: criteria provided, single submitter. Criteria: ACMG Guidelines, 2015. Collection method: clinical testing. Allele origin: germline. Observed: 8 variant alleles. Not counted in ClinVar's aggregate classification.
Comment: PP3, PP4_moderate, PM2_supporting, PM3_strong, PS3

Natera, Inc.
Classification: Pathogenic for Phenylketonuria. Last evaluated: 2025-07-20. Review status: criteria provided, single submitter. Criteria: Natera Variant Classification Schema (03/2026). Collection method: clinical testing. Allele origin: germline. Not counted in ClinVar's aggregate classification.
Comment: The c.1066-11G>A variant in PAH is an intronic variant located outside the canonical splice sites. This variant is rare in the general population with a frequency below the threshold expected for the associated phenotype(s). This variant has been observed in one or more individuals affected with the associated recessive disease, as either homozygous or compound heterozygous with a second variant (PMID: 26351554). Computational prediction algorithms indicate this variant is likely to affect gene or protein function. Given the available evidence, this variant is classified as Pathogenic.